The following is an entry in ClinVar:

NM_001848.3(COL6A1):c.1765C>T (p.Pro589Ser)

Gene: COL6A1 (collagen type VI alpha 1 chain; plus strand). Cytogenetic location: 21q22.3.
Variant type: single nucleotide variant.
Coding change: c.1765C>T on transcript NM_001848.3 (MANE Select); coding-DNA position 1765, C replaced by T.
Protein change: p.Pro589Ser; replaces proline 589 with serine.
Molecular consequence: missense variant.
Genome position (GRCh38, 1-based): chr21:45,999,681, C>T. VCF-style: chr21-45999681-C-T. GRCh37 (hg19) VCF-style: chr21-47419595-C-T.
Other names: short protein forms P589S.
Identifiers: ClinVar variation 3643463 (VCV003643463.2).

ClinVar aggregate classification (germline): Uncertain significance (1 of 4 stars; one submission).

Conditions:
Bethlem myopathy 1A. Also called: Bethlem myopathy 1; MYOPATHY, BENIGN CONGENITAL, WITH CONTRACTURES; Bethlem Muscular Dystrophy. Identifiers: Orphanet 610, MedGen CN029274, MONDO:0024530, OMIM 158810.

Submission:

Labcorp Genetics (formerly Invitae), Labcorp
Classification: Uncertain significance for Bethlem myopathy 1A. Last evaluated: 2024-04-22. Review status: criteria provided, single submitter. Criteria: Invitae Variant Classification Sherloc (09022015). Collection method: clinical testing. Allele origin: germline.
Comment: This sequence change replaces proline, which is neutral and non-polar, with serine, which is neutral and polar, at codon 589 of the COL6A1 protein (p.Pro589Ser). This variant is not present in population databases (gnomAD no frequency). This variant has not been reported in the literature in individuals affected with COL6A1-related conditions. Advanced modeling of protein sequence and biophysical properties (such as structural, functional, and spatial information, amino acid conservation, physicochemical variation, residue mobility, and thermodynamic stability) has been performed at Invitae for this missense variant, however the output from this modeling did not meet the statistical confidence thresholds required to predict the impact of this variant on COL6A1 protein function. In summary, the available evidence is currently insufficient to determine the role of this variant in disease. Therefore, it has been classified as a Variant of Uncertain Significance.